The following is an entry in ClinVar:

NM_002203.4(ITGA2):c.2099T>C (p.Ile700Thr)

Gene: ITGA2 (integrin subunit alpha 2; plus strand). Cytogenetic location: 5q11.2.
Variant type: single nucleotide variant.
Coding change: c.2099T>C on transcript NM_002203.4 (MANE Select); coding-DNA position 2099, T replaced by C.
Protein change: p.Ile700Thr; replaces isoleucine 700 with threonine.
Molecular consequence: missense variant. On other transcripts: non-coding transcript variant (5).
Genome position (GRCh38, 1-based): chr5:53,070,124, T>C. VCF-style: chr5-53070124-T-C. GRCh37 (hg19) VCF-style: chr5-52365954-T-C.
Other names: short protein forms I700T.
Identifiers: ClinVar variation 353761 (VCV000353761.5), dbSNP rs530127630, ClinGen allele CA3263083.
Genomic context (GRCh38, chr5:53,070,124, plus strand): 5'-AAGTTGATTTGAAATAACATTTCTTTATGATTTTTTTTATCATAGCCATTGTATATAACA[T>C]CACACTTGATGCAGATGGATTTTCATCCAGAGTAACCTCCAGGGGGTTATTTAAAGAAAA-3'
Protein context (NP_002194.2, residues 690-710): QNNQVAIVYN[Ile700Thr]TLDADGFSSR

ClinVar aggregate classification (germline): Benign (1 of 4 stars; one submission).

Conditions:
Platelet-type bleeding disorder 9 (BDPLT9). Also called: GLYCOPROTEIN Ia DEFICIENCY; GP Ia DEFICIENCY; COLLAGEN PLATELET RECEPTOR DEFICIENCY. Identifiers: Orphanet 73271, Orphanet 98886, MedGen C3280114, MONDO:0013622, OMIM 614200.

Allele frequency attached by ClinVar (database versions not stated): gnomAD below 0.00001 and 0.00009; TOPMed 0.00001; gnomAD exomes 0.00013 and 0.00036; ExAC 0.00044; 1000 Genomes Project 30x 0.00109; 1000 Genomes Project 0.00140.
gnomAD v4.1: 208 of 1,610,914 alleles (0.013%); highest among the groups gnomAD compares: South Asian, 0.21%; 2 homozygotes.

Submission:

Illumina Laboratory Services, Illumina
Classification: Benign for Platelet-type bleeding disorder 9. Last evaluated: 2018-01-13. Review status: criteria provided, single submitter. Criteria: ICSL Variant Classification Criteria 13 December 2019. Collection method: clinical testing. Allele origin: germline.
Comment: This variant was observed in the ICSL laboratory as part of a predisposition screen in an ostensibly healthy population. It had not been previously curated by ICSL or reported in the Human Gene Mutation Database (HGMD: prior to June 1st, 2018), and was therefore a candidate for classification through an automated scoring system. Utilizing variant allele frequency, disease prevalence and penetrance estimates, and inheritance mode, an automated score was calculated to assess if this variant is too frequent to cause the disease. Based on the score and internal cut-off values, a variant classified as benign is not then subjected to further curation. The score for this variant resulted in a classification of benign for this disease.